The following is an entry in ClinVar:

ClinVar aggregate classification (germline): Likely benign. Review status: criteria provided, multiple submitters, no conflicts (2 of 4 stars). 4 submissions from 4 submitters: Likely benign (4). Last evaluated 2025-05-01.

Conditions:
Polycystic kidney disease, adult type (PKD1). Also called: Polycystic Kidney Disease 1, Autosomal Dominant; Polycystic kidney disease 1; Polycystic kidney disease 1, severe; POLYCYSTIC KIDNEY DISEASE 1 WITH OR WITHOUT POLYCYSTIC LIVER DISEASE; POLYCYSTIC KIDNEY DISEASE, ADULT, TYPE I; Polycystic Kidney, Autosomal Dominant. Identifiers: MedGen C3149841, MONDO:0008263, OMIM 173900.

Allele frequency attached by ClinVar (database versions not stated): 1000 Genomes Project 30x 0.00016; 1000 Genomes Project 0.00020; TOPMed 0.00030; gnomAD 0.00031; ESP Exome Variant Server 0.00046; gnomAD exomes 0.00050; ExAC 0.00057.
gnomAD v4.1: 510 of 1,612,352 alleles (0.032%); highest among the groups gnomAD compares: Middle Eastern, 0.12%; 2 homozygotes.

Submissions (4):

CeGaT Center for Human Genetics Tuebingen
Classification: Likely benign. Last evaluated: 2025-05-01. Review status: criteria provided, single submitter. Criteria: CeGaT Center For Human Genetics Tuebingen Variant Classification Criteria Version 2. Collection method: clinical testing. Allele origin: germline. Affected: yes. Observed: 4 variant alleles.
Comment: PKD1: BP4, BP7

Blueprint Genetics
Classification: Likely benign. Last evaluated: 2024-10-11. Review status: criteria provided, single submitter. Criteria: ACMG Guidelines, 2015. Collection method: clinical testing. Allele origin: germline.

Fulgent Genetics
Classification: Likely benign for Polycystic kidney disease, adult type. Last evaluated: 2021-12-22. Review status: criteria provided, single submitter. Criteria: ACMG Guidelines, 2015. Collection method: clinical testing. Allele origin: unknown.

Department of Pathology and Laboratory Medicine, Sinai Health System
Classification: Likely benign for Polycystic kidney disease, adult type. Last evaluated: 2021-02-25. Review status: criteria provided, single submitter. Criteria: ACMG Guidelines, 2015. Collection method: clinical testing. Allele origin: germline.

Literature cited by the submitters: PubMed 17574468 (cited by Department of Pathology and Laboratory Medicine, Sinai Health System); PubMed 22383692 (cited by Department of Pathology and Laboratory Medicine, Sinai Health System); PubMed 19686598 (cited by Department of Pathology and Laboratory Medicine, Sinai Health System).

NM_001009944.3(PKD1):c.12270C>G (p.Leu4090=)

Gene: PKD1 (polycystin 1, transient receptor potential channel interacting; minus strand). Cytogenetic location: 16p13.3.
Variant type: single nucleotide variant.
Coding change: c.12270C>G on transcript NM_001009944.3 (MANE Select); coding-DNA position 12270, C replaced by G.
Protein change: p.Leu4090=; no amino-acid change (leucine 4090 retained).
Molecular consequence: synonymous variant.
Genome position (GRCh38, 1-based): chr16:2,090,459, G>C on the plus strand (C>G on the coding strand, the complement: PKD1 is on the minus strand). VCF-style: chr16-2090459-G-C. GRCh37 (hg19) VCF-style: chr16-2140460-G-C.
Other names: c.12267C>G, p.Leu4089= (NM_000296.4); c.12270C>G (NM_001009944.2).
Identifiers: ClinVar variation 1298646 (VCV001298646.38), dbSNP rs141132307, ClinGen allele CA7828702.